The following is an entry in ClinVar:

ClinVar aggregate classification (germline): Uncertain significance. Review status: criteria provided, multiple submitters, no conflicts (2 of 4 stars). 2 submissions from 2 submitters: Uncertain significance (2). Last evaluated 2024-01-02.

Conditions:
Van Maldergem syndrome 2 (VMLDS2). Identifiers: Orphanet 314679, MedGen C3809875, MONDO:0014242, OMIM 615546.
Hennekam lymphangiectasia-lymphedema syndrome 2 (HKLLS2). Identifiers: Orphanet 2136, MedGen C4014939, MONDO:0014454, OMIM 616006.

Allele frequency attached by ClinVar (database versions not stated): ExAC 0.00001; gnomAD 0.00001; gnomAD exomes 0.00001.
gnomAD v4.1: 23 of 1,596,318 alleles (0.0014%); highest among the groups gnomAD compares: East Asian, 0.036%; no homozygotes.

Submissions (2):

Fulgent Genetics
Classification: Uncertain significance for Van Maldergem syndrome 2; Hennekam lymphangiectasia-lymphedema syndrome 2. Last evaluated: 2024-01-02. Review status: criteria provided, single submitter. Criteria: ACMG Guidelines, 2015. Collection method: clinical testing. Allele origin: germline.

Labcorp Genetics (formerly Invitae), Labcorp
Classification: Uncertain significance. Last evaluated: 2023-12-06. Review status: criteria provided, single submitter. Criteria: Invitae Variant Classification Sherloc (09022015). Collection method: clinical testing. Allele origin: germline.
Comment: This sequence change replaces arginine, which is basic and polar, with histidine, which is basic and polar, at codon 4168 of the FAT4 protein (p.Arg4168His). The frequency data for this variant in the population databases is considered unreliable, as metrics indicate poor data quality at this position in the gnomAD database. This variant has not been reported in the literature in individuals affected with FAT4-related conditions. ClinVar contains an entry for this variant (Variation ID: 1987318). Advanced modeling of protein sequence and biophysical properties (such as structural, functional, and spatial information, amino acid conservation, physicochemical variation, residue mobility, and thermodynamic stability) performed at Invitae indicates that this missense variant is not expected to disrupt FAT4 protein function with a negative predictive value of 95%. In summary, the available evidence is currently insufficient to determine the role of this variant in disease. Therefore, it has been classified as a Variant of Uncertain Significance.

NM_001291303.3(FAT4):c.12509G>A (p.Arg4170His)

Gene: FAT4 (FAT atypical cadherin 4; plus strand). Cytogenetic location: 4q28.1.
Variant type: single nucleotide variant.
Coding change: c.12509G>A on transcript NM_001291303.3 (MANE Select); coding-DNA position 12509, G replaced by A.
Protein change: p.Arg4170His; replaces arginine 4170 with histidine.
Molecular consequence: missense variant.
Genome position (GRCh38, 1-based): chr4:125,479,770, G>A. VCF-style: chr4-125479770-G-A. GRCh37 (hg19) VCF-style: chr4-126400925-G-A.
Other names: c.12509G>A, p.Arg4170His (NM_001291285.3); c.12503G>A, p.Arg4168His (NM_024582.6); c.12503G>A (NM_024582.5); short protein forms R4168H, R4170H.
Identifiers: ClinVar variation 1987318 (VCV001987318.3), dbSNP rs758666028, ClinGen allele CA3074130.